The following is an entry in ClinVar:

NC_000011.10:g.5227091C>T

Genes: HBB (hemoglobin subunit beta; minus strand), LOC106099062 (HBB recombination region; plus strand), LOC107133510 (origin of replication at HBB; plus strand). Cytogenetic location: 11p15.4.
Variant type: single nucleotide variant.
Genome position: GRCh38 VCF-style: chr11-5227091-C-T. GRCh37 (hg19) VCF-style: chr11-5248321-C-T.
Identifiers: ClinVar variation 3051702 (VCV003051702.2), dbSNP rs954327894, ClinGen allele CA217115731.
Genomic context (GRCh38, chr11:5,227,091, plus strand): 5'-TTGAGGTTGCTAGTGAACACAGTTGTGTCAGAAGCAAATGTAAGCAATAGATGGCTCTGC[C>T]CTGACTTTTATGCCCAGCCCTGGCTCCTGCCCTCCCTGCTCCTGGGAGTAGATTGGCCAA-3'

ClinVar aggregate classification (germline): Likely benign (0 of 4 stars; one submission).

Conditions:
HBB-related disorder. Also called: HBB-related condition; HBB-related disorders. Identifiers: MedGen CN239378.

Allele frequency attached by ClinVar (database versions not stated): gnomAD 0.00001.

Submission:

PreventionGenetics, part of Exact Sciences
Classification: Likely benign for HBB-related condition. Last evaluated: 2022-11-03. Review status: no assertion criteria provided. Collection method: clinical testing. Allele origin: germline.
Comment: This variant is classified as likely benign based on ACMG/AMP sequence variant interpretation guidelines (Richards et al. 2015 PMID: 25741868, with internal and published modifications).